The following is an entry in ClinVar:

ClinVar aggregate classification (germline): Uncertain significance (1 of 4 stars; one submission).

Conditions:
Fructose-biphosphatase deficiency (FBP1D). Also called: Fructose 1,6 Bisphosphatase Deficiency; Fructose-1,6-Diphosphatase Deficiency; Fructose-1,6-Bisphosphatase 1 Deficiency. Identifiers: Orphanet 348, MedGen C0016756, MONDO:0009251, OMIM 229700.

gnomAD v4.1: 1 of 1,614,170 alleles (0.000062%); no homozygotes.

Submission:

Labcorp Genetics (formerly Invitae), Labcorp
Classification: Uncertain significance for Fructose-biphosphatase deficiency. Last evaluated: 2021-08-30. Review status: criteria provided, single submitter. Criteria: Invitae Variant Classification Sherloc (09022015). Collection method: clinical testing. Allele origin: germline.
Comment: This sequence change replaces lysine with glutamine at codon 151 of the FBP1 protein (p.Lys151Gln). The lysine residue is moderately conserved and there is a small physicochemical difference between lysine and glutamine. This variant is not present in population databases (ExAC no frequency). This variant has not been reported in the literature in individuals affected with FBP1-related conditions. Algorithms developed to predict the effect of missense changes on protein structure and function (SIFT, PolyPhen-2, Align-GVGD) all suggest that this variant is likely to be tolerated. In summary, the available evidence is currently insufficient to determine the role of this variant in disease. Therefore, it has been classified as a Variant of Uncertain Significance.

NM_000507.4(FBP1):c.451A>C (p.Lys151Gln)

Gene: FBP1 (fructose-bisphosphatase 1; minus strand). Cytogenetic location: 9q22.32.
Variant type: single nucleotide variant.
Coding change: c.451A>C on transcript NM_000507.4 (MANE Select); coding-DNA position 451, A replaced by C.
Protein change: p.Lys151Gln; replaces lysine 151 with glutamine.
Molecular consequence: missense variant.
Genome position (GRCh38, 1-based): chr9:94,610,037, T>G on the plus strand (A>C on the coding strand, the complement: FBP1 is on the minus strand). VCF-style: chr9-94610037-T-G. GRCh37 (hg19) VCF-style: chr9-97372319-T-G.
Other names: c.451A>C, p.Lys151Gln (NM_001127628.2); short protein forms K151Q.
Identifiers: ClinVar variation 1064135 (VCV001064135.6), dbSNP rs1827760551, ClinGen allele CA374107837.
Genomic context (GRCh38, chr9:94,610,037, plus strand): 5'-CACTGCCATACAGTGCGTAGCCGGCTGCCACCAGGTTCCGGCCTGGTTGCAGAGCATCCT[T>G]CTCAGAAGGCTCATCAGTTGATTTCTAGAGCAAGAAAGAAATCAAAGAATGTTTTTGTTT-3'
Protein context (NP_000498.2, residues 141-161): RKKSTDEPSE[Lys151Gln]DALQPGRNLV